The following is an entry in ClinVar:

NM_005089.4(ZRSR2):c.1325G>A (p.Arg442Gln)

Gene: ZRSR2 (zinc finger CCCH-type, RNA binding motif and serine/arginine rich 2; plus strand). Cytogenetic location: Xp22.2.
Variant type: single nucleotide variant.
Coding change: c.1325G>A on transcript NM_005089.4 (MANE Select); coding-DNA position 1325, G replaced by A.
Protein change: p.Arg442Gln; replaces arginine 442 with glutamine.
Molecular consequence: missense variant.
Genome position (GRCh38, 1-based): chrX:15,823,118, G>A. VCF-style: chrX-15823118-G-A. GRCh37 (hg19) VCF-style: chrX-15841241-G-A.
Other names: short protein forms R442Q.
Identifiers: ClinVar variation 5040620 (VCV005040620.1).

ClinVar aggregate classification (germline): Likely benign (1 of 4 stars; one submission).

gnomAD v4.1: 5 of 1,203,722 alleles (0.00042%); highest among the groups gnomAD compares: Non-Finnish European, 0.00056%; no homozygotes.

Submission:

CeGaT Center for Human Genetics Tuebingen
Classification: Likely benign. Last evaluated: 2026-08-01. Review status: criteria provided, single submitter. Criteria: CeGaT Center For Human Genetics Tuebingen Variant Classification Criteria Version 2. Collection method: clinical testing. Allele origin: germline. Affected: yes. Observed: 1 variant allele.
Comment: ZRSR2: BP4